The following is an entry in ClinVar:

ClinVar aggregate classification (germline): Uncertain significance (1 of 4 stars; one submission).

Conditions:
Atypical glycine encephalopathy. Also called: Glycine encephalopathy with normal serum glycine. Identifiers: Orphanet 289863, MedGen C4310943, MONDO:0015010, OMIM 617301.

Allele frequency attached by ClinVar (database versions not stated): gnomAD exomes below 0.00001; gnomAD 0.00001; TOPMed 0.00003; ESP Exome Variant Server 0.00008.
gnomAD v4.1: 11 of 1,614,104 alleles (0.00068%); highest among the groups gnomAD compares: Middle Eastern, 0.016%; no homozygotes.

Submission:

Labcorp Genetics (formerly Invitae), Labcorp
Classification: Uncertain significance for Atypical glycine encephalopathy. Last evaluated: 2023-07-10. Review status: criteria provided, single submitter. Criteria: Invitae Variant Classification Sherloc (09022015). Collection method: clinical testing. Allele origin: germline.
Comment: In summary, the available evidence is currently insufficient to determine the role of this variant in disease. Therefore, it has been classified as a Variant of Uncertain Significance. An algorithm developed to predict the effect of missense changes on protein structure and function (PolyPhen-2) suggests that this variant is likely to be disruptive. This variant has not been reported in the literature in individuals affected with SLC6A9-related conditions. This variant is not present in population databases (gnomAD no frequency). This sequence change replaces glutamic acid, which is acidic and polar, with lysine, which is basic and polar, at codon 90 of the SLC6A9 protein (p.Glu90Lys).

NM_001024845.3(SLC6A9):c.49G>A (p.Glu17Lys)

Gene: SLC6A9 (solute carrier family 6 member 9; minus strand). Cytogenetic location: 1p34.1.
Variant type: single nucleotide variant.
Coding change: c.49G>A on transcript NM_001024845.3 (MANE Select); coding-DNA position 49, G replaced by A.
Protein change: p.Glu17Lys; replaces glutamic acid 17 with lysine.
Molecular consequence: missense variant. On other transcripts: non-coding transcript variant (1), intron variant (4).
Genome position (GRCh38, 1-based): chr1:44,010,864, C>T on the plus strand (G>A on the coding strand, the complement: SLC6A9 is on the minus strand). VCF-style: chr1-44010864-C-T. GRCh37 (hg19) VCF-style: chr1-44476536-C-T.
Other names: c.106G>A, p.Glu36Lys (NM_001261380.2, NM_006934.4); c.49G>A, p.Glu17Lys (NM_001328629.1); c.268G>A, p.Glu90Lys (NM_201649.4); c.-14-2241G>A (NM_001328630.2, NM_001328626.2); c.125-2241G>A (NM_001328628.1); c.125-768G>A (NM_001328627.1); short protein forms E36K, E90K, E17K.
Identifiers: ClinVar variation 2885433 (VCV002885433.3), dbSNP rs145508338, ClinGen allele CA21720270.
Genomic context (GRCh38, chr1:44,010,864, plus strand): 5'-CAAACTCGATCTGGTTGCCCCAGTTGCCCCGTTTGAGGTTCTGGTCCCTCTTGGTGGCCT[C>T]GCTGGGCACAGCACCATTCTGTGGGGACAGGAGAGAAGCTACCATCAGCAAGGCATTTGT-3'
Protein context (NP_001020016.1, residues 7-27): KGMLNGAVPS[Glu17Lys]ATKRDQNLKR